The following is an entry in ClinVar:

ClinVar aggregate classification (germline): Uncertain significance. Review status: criteria provided, multiple submitters, no conflicts (2 of 4 stars). 2 submissions from 2 submitters: Uncertain significance (2). Last evaluated 2023-12-12.

Conditions:
Inborn genetic diseases. Identifiers: MedGen C0950123, MeSH D030342.
Blau syndrome (BLAUS). Also called: ARTHROCUTANEOUVEAL GRANULOMATOSIS; GRANULOMATOSIS, FAMILIAL JUVENILE SYSTEMIC; GRANULOMATOSIS, FAMILIAL, BLAU TYPE; GRANULOMATOUS INFLAMMATORY ARTHRITIS, DERMATITIS, AND UVEITIS, FAMILIAL; JABS SYNDROME. Identifiers: Orphanet 90340, MedGen C5201146, MONDO:0008523, OMIM 186580.
Regional enteritis. Also called: Enteritis, Granulomatous. Identifiers: MedGen C0678202, MeSH D003424.

Allele frequency attached by ClinVar (database versions not stated): gnomAD exomes below 0.00001; TOPMed below 0.00001; ExAC 0.00001; gnomAD 0.00001.
gnomAD v4.1: 8 of 1,613,882 alleles (0.0005%); highest among the groups gnomAD compares: Non-Finnish European, 0.00068%; no homozygotes.

Submissions (2):

Ambry Genetics
Classification: Uncertain significance for Inborn genetic diseases. Last evaluated: 2023-12-12. Review status: criteria provided, single submitter. Criteria: Ambry Variant Classification Scheme 2023. Collection method: clinical testing. Allele origin: germline.

Labcorp Genetics (formerly Invitae), Labcorp
Classification: Uncertain significance for Regional enteritis; Blau syndrome. Last evaluated: 2022-06-27. Review status: criteria provided, single submitter. Criteria: Invitae Variant Classification Sherloc (09022015). Collection method: clinical testing. Allele origin: germline.
Comment: In summary, the available evidence is currently insufficient to determine the role of this variant in disease. Therefore, it has been classified as a Variant of Uncertain Significance. Advanced modeling of protein sequence and biophysical properties (such as structural, functional, and spatial information, amino acid conservation, physicochemical variation, residue mobility, and thermodynamic stability) performed at Invitae indicates that this missense variant is not expected to disrupt NOD2 protein function. This variant has not been reported in the literature in individuals affected with NOD2-related conditions. This variant is present in population databases (rs746653187, gnomAD 0.0009%). This sequence change replaces histidine, which is basic and polar, with arginine, which is basic and polar, at codon 628 of the NOD2 protein (p.His628Arg).

NM_001370466.1(NOD2):c.1802A>G (p.His601Arg)

Gene: NOD2 (nucleotide binding oligomerization domain containing 2; plus strand). Cytogenetic location: 16q12.1.
Variant type: single nucleotide variant.
Coding change: c.1802A>G on transcript NM_001370466.1 (MANE Select); coding-DNA position 1802, A replaced by G.
Protein change: p.His601Arg; replaces histidine 601 with arginine.
Molecular consequence: missense variant. On other transcripts: non-coding transcript variant (1).
Genome position (GRCh38, 1-based): chr16:50,711,794, A>G. VCF-style: chr16-50711794-A-G. GRCh37 (hg19) VCF-style: chr16-50745705-A-G.
Other names: c.1802A>G, p.His601Arg (NM_001293557.2); c.1883A>G, p.His628Arg (NM_022162.3); c.1883A>G (NM_022162.1); short protein forms H601R, H628R.
Identifiers: ClinVar variation 1495180 (VCV001495180.7), dbSNP rs746653187, ClinGen allele CA8051640.